The following is an entry in ClinVar:

NM_005412.6(SHMT2):c.877C>T (p.Arg293Trp)

Gene: SHMT2 (serine hydroxymethyltransferase 2; plus strand). Cytogenetic location: 12q13.3.
Variant type: single nucleotide variant.
Coding change: c.877C>T on transcript NM_005412.6 (MANE Select); coding-DNA position 877, C replaced by T.
Protein change: p.Arg293Trp; replaces arginine 293 with tryptophan.
Molecular consequence: missense variant. On other transcripts: non-coding transcript variant (4).
Genome position (GRCh38, 1-based): chr12:57,233,199, C>T. VCF-style: chr12-57233199-C-T. GRCh37 (hg19) VCF-style: chr12-57626982-C-T.
Other names: c.847C>T, p.Arg283Trp (NM_001166356.2); c.814C>T, p.Arg272Trp (NM_001166357.1, NM_001166358.2, NM_001166359.1); short protein forms R272W, R283W, R293W.
Identifiers: ClinVar variation 1706152 (VCV001706152.2), dbSNP rs779456642, ClinGen allele CA6646517.

ClinVar aggregate classification (germline): Uncertain significance (1 of 4 stars; one submission).

Allele frequency attached by ClinVar (database versions not stated): ExAC 0.00001; gnomAD exomes 0.00001.
gnomAD v4.1: 15 of 1,571,402 alleles (0.00095%); highest among the groups gnomAD compares: Admixed American, 0.0038%; no homozygotes.

Submission:

GeneDx
Classification: Uncertain significance. Last evaluated: 2022-03-15. Review status: criteria provided, single submitter. Criteria: GeneDx Variant Classification Process June 2021. Collection method: clinical testing. Allele origin: germline. Affected: yes.
Comment: In silico analysis supports that this missense variant has a deleterious effect on protein structure/function; Has not been previously published as pathogenic or benign to our knowledge; Variants in candidate genes are classified as variants of uncertain significance in accordance with ACMG guidelines (Richards et al., 2015)